The following is an entry in ClinVar:

NM_000088.4(COL1A1):c.1176_1179dup (p.Pro394fs)

Gene: COL1A1 (collagen type I alpha 1 chain; minus strand). Cytogenetic location: 17q21.33.
Variant type: Duplication.
Coding change: c.1176_1179dup on transcript NM_000088.4 (MANE Select); coding-DNA positions 1176 to 1179, 4 bases duplicated (ACAG; older notation c.1176_1179dupACAG).
Protein change: p.Pro394fs; shifts the reading frame from proline 394.
Molecular consequence: frameshift variant.
Genome position (GRCh38, 1-based): chr17:50,195,455-50,195,458, CTGT duplicated on the plus strand (ACAG on the coding strand, the reverse complement: COL1A1 is on the minus strand); duplicating any 4 consecutive bases within chr17:50,195,455-50,195,459 gives the same sequence; the c. name uses the placement nearest the transcript's 3' end. VCF-style (leftmost placement, unchanged base first): chr17-50195454-G-GCTGT. GRCh37 (hg19) VCF-style: chr17-48272815-G-GCTGT.
Other names: short protein forms P394fs.
Identifiers: ClinVar variation 2017357 (VCV002017357.4), dbSNP rs2509227665, ClinGen allele CA2580094125.

ClinVar aggregate classification (germline): Pathogenic (1 of 4 stars; one submission).

Conditions:
Osteogenesis imperfecta type I (OI1). Also called: Osteogenesis imperfecta type 1; Classic Non-deforming Osteogenesis Imperfecta with Blue Sclerae; Lobstein disease; OI, TYPE I; OSTEOGENESIS IMPERFECTA TARDA; OSTEOGENESIS IMPERFECTA WITH BLUE SCLERAE. Identifiers: Orphanet 216796, Orphanet 666, MedGen C0023931, MONDO:0008146, OMIM 166200. Disease mechanism: loss of function.

Submission:

Labcorp Genetics (formerly Invitae), Labcorp
Classification: Pathogenic for Osteogenesis imperfecta type I. Last evaluated: 2022-07-15. Review status: criteria provided, single submitter. Criteria: Invitae Variant Classification Sherloc (09022015). Collection method: clinical testing. Allele origin: germline.
Comment: This sequence change creates a premature translational stop signal (p.Pro394Thrfs*5) in the COL1A1 gene. It is expected to result in an absent or disrupted protein product. Loss-of-function variants in COL1A1 are known to be pathogenic (PMID: 7942841, 9295084, 9443882). This variant is not present in population databases (gnomAD no frequency). This variant has not been reported in the literature in individuals affected with COL1A1-related conditions. For these reasons, this variant has been classified as Pathogenic.

Literature cited by the submitters: PubMed 7942841; PubMed 9295084; PubMed 9443882.